The following is an entry in ClinVar:

ClinVar aggregate classification (germline): Uncertain significance (1 of 4 stars; one submission).

Conditions:
Nemaline myopathy 6 (NEM6). Also called: Nemaline myopathy 6, autosomal dominant. Identifiers: Orphanet 171439, MedGen C1836472, MONDO:0012237, OMIM 609273.

Submission:

Labcorp Genetics (formerly Invitae), Labcorp
Classification: Uncertain significance for Nemaline myopathy 6. Last evaluated: 2022-03-20. Review status: criteria provided, single submitter. Criteria: Invitae Variant Classification Sherloc (09022015). Collection method: clinical testing. Allele origin: germline.
Comment: This sequence change creates a premature translational stop signal (p.Leu436*) in the KBTBD13 gene. While this is not anticipated to result in nonsense mediated decay, it is expected to disrupt the last 23 amino acid(s) of the KBTBD13 protein. This variant is not present in population databases (gnomAD no frequency). This variant has not been reported in the literature in individuals affected with KBTBD13-related conditions. ClinVar contains an entry for this variant (Variation ID: 1057059). Experimental studies and prediction algorithms are not available or were not evaluated, and the functional significance of this variant is currently unknown. In summary, the available evidence is currently insufficient to determine the role of this variant in disease. Therefore, it has been classified as a Variant of Uncertain Significance.

NM_001101362.3(KBTBD13):c.1307T>A (p.Leu436Ter)

Gene: KBTBD13 (kelch repeat and BTB domain containing 13; plus strand). Cytogenetic location: 15q22.31.
Variant type: single nucleotide variant.
Coding change: c.1307T>A on transcript NM_001101362.3 (MANE Select); coding-DNA position 1307, T replaced by A.
Protein change: p.Leu436Ter; replaces leucine 436 with a stop codon.
Molecular consequence: nonsense.
Genome position (GRCh38, 1-based): chr15:65,078,122, T>A. VCF-style: chr15-65078122-T-A. GRCh37 (hg19) VCF-style: chr15-65370460-T-A.
Other names: short protein forms L436*.
Identifiers: ClinVar variation 1057059 (VCV001057059.8), dbSNP rs2140546093, ClinGen allele CA392867092.